The following is an entry in ClinVar:

ClinVar aggregate classification (germline): Pathogenic/Likely pathogenic. Review status: criteria provided, multiple submitters, no conflicts (2 of 4 stars). 3 submissions from 3 submitters: Pathogenic (1); Likely pathogenic (2). Last evaluated 2025-12-03.

Conditions:
Roberts-SC phocomelia syndrome (RBS). Also called: LONG BONE DEFICIENCIES ASSOCIATED WITH CLEFT LIP-PALATE; ESCO2 Spectrum Disorder; Hypomelia hypotrichosis facial hemangioma syndrome; Pseudothalidomide syndrome; Appelt-Gerken-Lenz syndrome. Identifiers: Orphanet 3103, MedGen C0392475, MONDO:0100253, OMIM 268300.
Juberg-Hayward syndrome (JHS). Also called: OROCRANIODIGITAL SYNDROME; Cleft lip/palate with abnormal thumbs and microcephaly. Identifiers: Orphanet 2319, MedGen C0796099, MONDO:0008992, OMIM 216100.

Submissions (3):

Labcorp Genetics (formerly Invitae), Labcorp
Classification: Pathogenic. Last evaluated: 2025-12-03. Review status: criteria provided, single submitter. Criteria: Invitae Variant Classification Sherloc (09022015). Collection method: clinical testing. Allele origin: germline.
Comment: This sequence change creates a premature translational stop signal (p.Asn164Lysfs*10) in the ESCO2 gene. It is expected to result in an absent or disrupted protein product. Loss-of-function variants in ESCO2 are known to be pathogenic (PMID: 15821733, 16380922). This variant is not present in population databases (gnomAD no frequency). This variant has not been reported in the literature in individuals affected with ESCO2-related conditions. ClinVar contains an entry for this variant (Variation ID: 1443648). For these reasons, this variant has been classified as Pathogenic.

Natera, Inc.
Classification: Likely pathogenic for Roberts syndrome. Last evaluated: 2024-03-25. Review status: criteria provided, single submitter. Criteria: Natera Variant Classification Schema (03/2026). Collection method: clinical testing. Allele origin: germline.
Comment: The c.491dupA variant in ESCO2 is a frameshift variant predicted to shift the reading frame beginning at codon 164 and leads to a stop codon 10 codons downstream. This variant is expected to result in nonsense mediated decay, truncation, or a dysfunctional protein product. This variant is rare in the general population with a frequency below the threshold expected for the associated phenotype(s). Given the available evidence, this variant is classified as Likely Pathogenic.

Fulgent Genetics
Classification: Likely pathogenic for Juberg-Hayward syndrome; Roberts-SC phocomelia syndrome. Last evaluated: 2024-01-15. Review status: criteria provided, single submitter. Criteria: ACMG Guidelines, 2015. Collection method: clinical testing. Allele origin: germline.

Literature cited by the submitters: PubMed 15821733 (cited by Labcorp Genetics (formerly Invitae), Labcorp); PubMed 16380922 (cited by Labcorp Genetics (formerly Invitae), Labcorp).

NM_001017420.3(ESCO2):c.491dup (p.Asn164fs)

Gene: ESCO2 (establishment of sister chromatid cohesion N-acetyltransferase 2; plus strand). Cytogenetic location: 8p21.1.
Variant type: Duplication.
Coding change: c.491dup on transcript NM_001017420.3 (MANE Select); coding-DNA position 491, one base duplicated (A; older notation c.491dupA).
Protein change: p.Asn164fs; shifts the reading frame from asparagine 164.
Molecular consequence: frameshift variant.
Genome position (GRCh38, 1-based): chr8:27,776,799, A duplicated; the last of 3 consecutive A bases (chr8:27,776,797-27,776,799); duplicating any one gives the same sequence. VCF-style (leftmost placement, unchanged base first): chr8-27776796-G-GA. GRCh37 (hg19) VCF-style: chr8-27634313-G-GA.
Other names: c.491dupA (NM_001017420.2); short protein forms N164fs.
Identifiers: ClinVar variation 1443648 (VCV001443648.8), dbSNP rs2128951191, ClinGen allele CA2560335524.